The following is an entry in ClinVar:

NM_015338.6(ASXL1):c.2951A>T (p.Lys984Ile)

Gene: ASXL1 (ASXL transcriptional regulator 1; plus strand). Cytogenetic location: 20q11.21.
Variant type: single nucleotide variant.
Coding change: c.2951A>T on transcript NM_015338.6 (MANE Select); coding-DNA position 2951, A replaced by T.
Protein change: p.Lys984Ile; replaces lysine 984 with isoleucine.
Molecular consequence: missense variant.
Genome position (GRCh38, 1-based): chr20:32,435,663, A>T. VCF-style: chr20-32435663-A-T. GRCh37 (hg19) VCF-style: chr20-31023466-A-T.
Other names: c.2768A>T, p.Lys923Ile (NM_001363734.1); short protein forms K984I, K923I.
Identifiers: ClinVar variation 2552596 (VCV002552596.3), dbSNP rs1183288483, ClinGen allele CA408561690.

ClinVar aggregate classification (germline): Uncertain significance (1 of 4 stars; one submission).

Conditions:
Inborn genetic diseases. Identifiers: MedGen C0950123, MeSH D030342.

Allele frequency attached by ClinVar (database versions not stated): gnomAD exomes 0.00001.
gnomAD v4.1: 3 of 1,614,174 alleles (0.00019%); highest among the groups gnomAD compares: East Asian, 0.0067%; no homozygotes.

Submission:

Ambry Genetics
Classification: Uncertain significance for Inborn genetic diseases. Last evaluated: 2025-01-25. Review status: criteria provided, single submitter. Criteria: Ambry Variant Classification Scheme 2023. Collection method: clinical testing. Allele origin: germline.
Comment: The p.K984I variant (also known as c.2951A>T), located in coding exon 13 of the ASXL1 gene, results from an A to T substitution at nucleotide position 2951. The lysine at codon 984 is replaced by isoleucine, an amino acid with dissimilar properties. This amino acid position is conserved. In addition, this alteration is predicted to be tolerated by in silico analysis. Based on the available evidence, the clinical significance of this variant remains unclear.